The following is an entry in ClinVar:

ClinVar aggregate classification (germline): Conflicting classifications of pathogenicity. Review status: criteria provided, conflicting classifications (1 of 4 stars). 4 submissions from 3 submitters: Uncertain significance (3); Likely benign (1). Last evaluated 2024-10-16.

Conditions:
Lethal Kniest-like syndrome (DDSH). Also called: Dyssegmental Dysplasia. Identifiers: Orphanet 1865, MedGen C1857100, MONDO:0009140, OMIM 224410.
Inborn genetic diseases. Identifiers: MedGen C0950123, MeSH D030342.
Schwartz-Jampel syndrome. Also called: Myotonic myopathy dwarfism chondrodystrophy and ocular and facial abnormalities. Identifiers: Orphanet 800, MedGen C0036391, MONDO:0009717.

Allele frequency attached by ClinVar (database versions not stated): TOPMed 0.00002; ESP Exome Variant Server 0.00008.
gnomAD v4.1: 43 of 1,614,080 alleles (0.0027%); highest among the groups gnomAD compares: Non-Finnish European, 0.0025%; no homozygotes.

Submissions (4):

GeneDx
Classification: Uncertain significance. Last evaluated: 2024-10-16. Review status: criteria provided, single submitter. Criteria: GeneDx Variant Classification Process June 2021. Collection method: clinical testing. Allele origin: germline. Affected: yes.
Comment: In silico analysis indicates that this missense variant does not alter protein structure/function; Has not been previously published as pathogenic or benign to our knowledge

Ambry Genetics
Classification: Likely benign for Inborn genetic diseases. Last evaluated: 2022-11-10. Review status: criteria provided, single submitter. Criteria: Ambry Variant Classification Scheme 2023. Collection method: clinical testing. Allele origin: germline.

Illumina Laboratory Services, Illumina
Classification: Uncertain significance for Schwartz-Jampel syndrome type 1. Last evaluated: 2018-01-12. Review status: criteria provided, single submitter. Criteria: ICSL Variant Classification Criteria 13 December 2019. Collection method: clinical testing. Allele origin: germline.

Illumina Laboratory Services, Illumina
Classification: Uncertain significance for Lethal Kniest-like syndrome. Last evaluated: 2018-01-12. Review status: criteria provided, single submitter. Criteria: ICSL Variant Classification Criteria 13 December 2019. Collection method: clinical testing. Allele origin: germline.

NM_005529.7(HSPG2):c.10618G>A (p.Val3540Ile)

Gene: HSPG2 (heparan sulfate proteoglycan 2; minus strand). Cytogenetic location: 1p36.12.
Variant type: single nucleotide variant.
Coding change: c.10618G>A on transcript NM_005529.7 (MANE Select); coding-DNA position 10618, G replaced by A.
Protein change: p.Val3540Ile; replaces valine 3540 with isoleucine.
Molecular consequence: missense variant.
Genome position (GRCh38, 1-based): chr1:21,834,781, C>T on the plus strand (G>A on the coding strand, the complement: HSPG2 is on the minus strand). VCF-style: chr1-21834781-C-T. GRCh37 (hg19) VCF-style: chr1-22161274-C-T.
Other names: c.10621G>A, p.Val3541Ile (NM_001291860.2); short protein forms V3540I, V3541I.
Identifiers: ClinVar variation 295732 (VCV000295732.8), dbSNP rs372760688, ClinGen allele CA670068.
Genomic context (GRCh38, chr1:21,834,781, plus strand): 5'-CGTTGGTGGCAGTGCAGCGATACTGTCCCGCATCAGCCAGCTCTACGTGGGCGATCCTGA[C>T]GACACCTCCGCTCTGCACAATGCCTGGCCGCAGGTGCCCTCCAACTTTGCTCCATGTCAC-3'
Protein context (NP_005520.4, residues 3530-3550): RPGIVQSGGV[Val3540Ile]RIAHVELADA